The following is an entry in ClinVar:

NM_001267550.2(TTN):c.29291C>T (p.Thr9764Ile)

Gene: TTN (titin; minus strand). Cytogenetic location: 2q31.2.
Variant type: single nucleotide variant.
Coding change: c.29291C>T on transcript NM_001267550.2 (MANE Select); coding-DNA position 29291, C replaced by T.
Protein change: p.Thr9764Ile; replaces threonine 9764 with isoleucine.
Molecular consequence: missense variant. On other transcripts: intron variant (3).
Genome position (GRCh38, 1-based): chr2:178,706,583, G>A on the plus strand (C>T on the coding strand, the complement: TTN is on the minus strand). VCF-style: chr2-178706583-G-A. GRCh37 (hg19) VCF-style: chr2-179571310-G-A.
Other names: c.28340C>T, p.Thr9447Ile (NM_001256850.1); c.25559C>T, p.Thr8520Ile (NM_133378.4); c.13282+31499C>T (NM_003319.4); c.13858+31499C>T (NM_133437.4); c.13657+31499C>T (NM_133432.3); short protein forms T8520I, T9447I, T9764I.
Identifiers: ClinVar variation 3233880 (VCV003233880.3), dbSNP rs2475376839, ClinGen allele CA349583024.

ClinVar aggregate classification (germline): Conflicting classifications of pathogenicity. Review status: criteria provided, conflicting classifications (1 of 4 stars). 2 submissions from 2 submitters: Uncertain significance (1); Likely benign (1). Last evaluated 2026-09-21.

Allele frequency attached by ClinVar (database versions not stated): gnomAD exomes below 0.00001.
gnomAD v4.1: 2 of 1,613,872 alleles (0.00012%); highest among the groups gnomAD compares: Non-Finnish European, 0.00017%; no homozygotes.

Submissions (2):

Molecular Diagnostic Laboratory for Inherited Cardiovascular Disease, Montreal Heart Institute
Classification: Likely benign. Last evaluated: 2026-09-21. Review status: criteria provided, single submitter. Criteria: ACMG Guidelines, 2015. Collection method: clinical testing. Allele origin: germline. Affected: no.
Comment: BP1

Women's Health and Genetics/Laboratory Corporation of America, LabCorp
Classification: Uncertain significance. Last evaluated: 2024-03-19. Review status: criteria provided, single submitter. Criteria: LabCorp Variant Classification Summary - May 2015. Collection method: clinical testing. Allele origin: germline.
Comment: Variant summary: TTN c.25559C>T (p.Thr8520Ile) results in a non-conservative amino acid change located in the I-band domain of the encoded protein sequence. Two of three in-silico tools predict a damaging effect of the variant on protein function. The variant was absent in 249226 control chromosomes. The available data on variant occurrences in the general population are insufficient to allow any conclusion about variant significance. To our knowledge, no occurrence of c.25559C>T in individuals affected with Limb-Girdle Muscular Dystrophy, Type 2J and no experimental evidence demonstrating its impact on protein function have been reported. No submitters have cited clinical-significance assessments for this variant to ClinVar. Based on the evidence outlined above, the variant was classified as uncertain significance.